The following is an entry in ClinVar:

ClinVar aggregate classification (germline): Benign/Likely benign. Review status: criteria provided, multiple submitters, no conflicts (2 of 4 stars). 5 submissions from 5 submitters: Benign (1); Likely benign (3). 1 of the submissions does not count toward it. Last evaluated 2026-01-31.

Conditions:
CTNNA1-related disorder. Also called: CTNNA1-related condition.
Hereditary cancer-predisposing syndrome. Also called: Neoplastic Syndromes, Hereditary; Hereditary neoplastic syndrome; Hereditary Cancer Syndrome; Tumor predisposition. Identifiers: Orphanet 140162, MedGen C0027672, MeSH D009386, MONDO:0015356.
Hereditary diffuse gastric adenocarcinoma (HDGC). Also called: DIFFUSE GASTRIC AND LOBULAR BREAST CANCER SYNDROME. Identifiers: Orphanet 26106, MedGen C1708349, MONDO:0007648, OMIM 137215.

Allele frequency attached by ClinVar (database versions not stated): gnomAD 0.00010; TOPMed 0.00013.
gnomAD v4.1: 33 of 1,611,624 alleles (0.002%); highest among the groups gnomAD compares: East Asian, 0.025%; no homozygotes.

Submissions (5):

Labcorp Genetics (formerly Invitae), Labcorp
Classification: Likely benign. Last evaluated: 2026-01-31. Review status: criteria provided, single submitter. Criteria: Invitae Variant Classification Sherloc (09022015). Collection method: clinical testing. Allele origin: germline.

Blueprint Genetics
Classification: Likely benign. Last evaluated: 2024-11-25. Review status: criteria provided, single submitter. Criteria: ACMG Guidelines, 2015. Collection method: clinical testing. Allele origin: germline.

Myriad Genetics, Inc.
Classification: Likely benign for Hereditary diffuse gastric adenocarcinoma. Last evaluated: 2024-10-15. Review status: criteria provided, single submitter. Criteria: Myriad Autosomal Dominant, Autosomal Recessive and X-Linked Classification Criteria (2023). Collection method: clinical testing. Allele origin: unknown.
Comment: This variant is considered likely benign. This variant is intronic and is not expected to impact mRNA splicing.

Ambry Genetics
Classification: Benign for Hereditary cancer-predisposing syndrome. Last evaluated: 2021-12-29. Review status: criteria provided, single submitter. Criteria: Ambry Variant Classification Scheme 2023. Collection method: clinical testing. Allele origin: germline.

PreventionGenetics, part of Exact Sciences
Classification: Likely benign for CTNNA1-related condition. Last evaluated: 2019-09-11. Review status: no assertion criteria provided. Collection method: clinical testing. Allele origin: germline. Not counted in ClinVar's aggregate classification.
Comment: This variant is classified as likely benign based on ACMG/AMP sequence variant interpretation guidelines (Richards et al. 2015 PMID: 25741868, with internal and published modifications).

NM_001903.5(CTNNA1):c.2434-5C>T

Gene: CTNNA1 (catenin alpha 1; plus strand). Cytogenetic location: 5q31.2.
Variant type: single nucleotide variant.
Coding change: c.2434-5C>T on transcript NM_001903.5 (MANE Select); 5 bases into the intron before coding-DNA position 2434, C replaced by T.
Molecular consequence: intron variant.
Genome position (GRCh38, 1-based): chr5:138,933,797, C>T. VCF-style: chr5-138933797-C-T. GRCh37 (hg19) VCF-style: chr5-138269486-C-T.
Other names: c.2434-5C>T (NM_001903.4, NM_001323982.2, NM_001323984.2 and 1 more transcripts); c.2505-5C>T (NM_001290307.3); c.2434-32C>T (NM_001323985.2); c.2341-5C>T (NM_001323986.2); c.2065-5C>T (NM_001290310.3); c.2125-5C>T (NM_001290309.3); c.1324-5C>T (NM_001323996.1, NM_001323993.1, NM_001323998.1 and 12 more transcripts); c.1395-5C>T (NM_001324005.1, NM_001324003.1, NM_001324002.1 and 1 more transcripts); and 4 more.
Identifiers: ClinVar variation 701592 (VCV000701592.19), dbSNP rs369052669, ClinGen allele CA3432243.
Genomic context (GRCh38, chr5:138,933,797, plus strand): 5'-CCCACCTGTGTCCACGAGGCTGGAGGTCAGGCCGGTGCTTCTTACCACCCCTGTCTGCCT[C>T]GTAGGTGGACAGCGCCATGTCCCTGATCCAGGCAGCCAAGAACTTGATGAATGCTGTGGT-3'